The following is an entry in ClinVar:

NM_033380.3(COL4A5):c.611_612del (p.Gly204fs)

Gene: COL4A5 (collagen type IV alpha 5 chain; plus strand). Cytogenetic location: Xq22.3.
Variant type: Deletion.
Coding change: c.611_612del on transcript NM_033380.3 (MANE Select); coding-DNA positions 611 to 612, 2 bases deleted (GC; older notation c.611_612delGC).
Protein change: p.Gly204fs; shifts the reading frame from glycine 204.
Molecular consequence: frameshift variant.
Genome position (GRCh38, 1-based): chrX:108,577,953-108,577,954, GC deleted. VCF-style (leftmost placement, unchanged base first): chrX-108577952-GGC-G. GRCh37 (hg19) VCF-style: chrX-107821182-GGC-G.
Other names: c.611_612del, p.Gly204fs (NM_000495.5); short protein forms G204fs.
Identifiers: ClinVar variation 24302 (VCV000024302.6), dbSNP rs281874759, ClinGen allele CA258294.

ClinVar aggregate classification (germline): Pathogenic/Likely pathogenic. Review status: criteria provided, multiple submitters, no conflicts (2 of 4 stars). 3 submissions from 3 submitters: Pathogenic (2); Likely pathogenic (1). Last evaluated 2024-12-04.

Conditions:
X-linked Alport syndrome (ATS1). Also called: COL4A5-Related Nephropathy; NEPHROPATHY AND DEAFNESS, X-LINKED. Identifiers: Orphanet 63, Orphanet 88917, MedGen C4746986, MONDO:0010520, OMIM 301050.

Submissions (3):

GeneDx
Classification: Pathogenic. Last evaluated: 2024-12-04. Review status: criteria provided, single submitter. Criteria: GeneDx Variant Classification Process June 2021. Collection method: clinical testing. Allele origin: germline. Affected: yes.
Comment: Frameshift variant predicted to result in protein truncation or nonsense mediated decay in a gene for which loss of function is a known mechanism of disease; Not observed at significant frequency in large population cohorts (gnomAD); This variant is associated with the following publications: (PMID: 20378821)

Fulgent Genetics
Classification: Likely pathogenic for X-linked Alport syndrome. Last evaluated: 2024-02-13. Review status: criteria provided, single submitter. Criteria: ACMG Guidelines, 2015. Collection method: clinical testing. Allele origin: germline.

Athena Diagnostics
Classification: Pathogenic. Last evaluated: 2017-07-10. Review status: criteria provided, single submitter. Criteria: Athena Diagnostics Criteria. Collection method: clinical testing. Allele origin: germline.

Literature cited by the submitters: PubMed 20378821 (cited by Athena Diagnostics).